The following is an entry in ClinVar:

NM_173728.4(ARHGEF15):c.1210del (p.Ala404fs)

Gene: ARHGEF15 (Rho guanine nucleotide exchange factor 15; plus strand). Cytogenetic location: 17p13.1.
Variant type: Deletion.
Coding change: c.1210del on transcript NM_173728.4 (MANE Select); coding-DNA position 1210, one base deleted (G; older notation c.1210delG).
Protein change: p.Ala404fs; shifts the reading frame from alanine 404.
Molecular consequence: frameshift variant.
Genome position (GRCh38, 1-based): chr17:8,315,227, G deleted. VCF-style (leftmost placement, unchanged base first): chr17-8315226-AG-A. GRCh37 (hg19) VCF-style: chr17-8218544-AG-A.
Other names: c.1210del, p.Ala404fs (NM_025014.2); short protein forms A404fs.
Identifiers: ClinVar variation 1969324 (VCV001969324.5), dbSNP rs1904932077, ClinGen allele CA2246259124.

ClinVar aggregate classification (germline): Uncertain significance (1 of 4 stars; one submission).

Conditions:
Early-infantile DEE. Also called: Early infantile epileptic encephalopathy; Ohtahara syndrome; Early infantile epileptic encephalopathy with suppression bursts. Identifiers: Orphanet 1934, MedGen C0393706, MONDO:0800491.

Allele frequency attached by ClinVar (database versions not stated): TOPMed below 0.00001.

Submission:

Labcorp Genetics (formerly Invitae), Labcorp
Classification: Uncertain significance for Early-infantile DEE. Last evaluated: 2024-08-28. Review status: criteria provided, single submitter. Criteria: Invitae Variant Classification Sherloc (09022015). Collection method: clinical testing. Allele origin: germline.
Comment: This sequence change creates a premature translational stop signal (p.Ala404Profs*23) in the ARHGEF15 gene. It is expected to result in an absent or disrupted protein product. However, the current clinical and genetic evidence is not sufficient to establish whether loss-of-function variants in ARHGEF15 cause disease. This variant is not present in population databases (gnomAD no frequency). This variant has not been reported in the literature in individuals affected with ARHGEF15-related conditions. ClinVar contains an entry for this variant (Variation ID: 1969324). In summary, the available evidence is currently insufficient to determine the role of this variant in disease. Therefore, it has been classified as a Variant of Uncertain Significance.